The following is an entry in ClinVar:

ClinVar aggregate classification (germline): Likely pathogenic. Review status: criteria provided, multiple submitters, no conflicts (2 of 4 stars). 5 submissions from 4 submitters: Likely pathogenic (4). 1 of the submissions does not count toward it. Last evaluated 2023-12-24.

Conditions:
Retinitis pigmentosa 39 (RP39). Identifiers: Orphanet 791, MedGen C3151138, MONDO:0013436, OMIM 613809.
Usher syndrome type 2A. Also called: RETINAL DISEASE IN USHER SYNDROME TYPE IIA, MODIFIER OF; USHER SYNDROME, TYPE IIA. Identifiers: Orphanet 231178, Orphanet 886, MedGen C1848634, MONDO:0010169, OMIM 276901.

Submissions (5):

Baylor Genetics
Classification: Likely pathogenic for Retinitis pigmentosa 39. Last evaluated: 2023-12-24. Review status: criteria provided, single submitter. Criteria: ACMG Guidelines, 2015. Collection method: clinical testing. Allele origin: unknown.

Genome-Nilou Lab
Classification: Likely pathogenic for Retinitis pigmentosa 39. Last evaluated: 2023-04-11. Review status: criteria provided, single submitter. Criteria: ACMG Guidelines, 2015. Collection method: clinical testing. Allele origin: germline. Affected: no.

Genome-Nilou Lab
Classification: Likely pathogenic for Usher syndrome type 2A. Last evaluated: 2023-04-11. Review status: criteria provided, single submitter. Criteria: ACMG Guidelines, 2015. Collection method: clinical testing. Allele origin: germline. Affected: no.

Labcorp Genetics (formerly Invitae), Labcorp
Classification: Likely pathogenic. Last evaluated: 2023-04-07. Review status: criteria provided, single submitter. Criteria: Invitae Variant Classification Sherloc (09022015). Collection method: clinical testing. Allele origin: germline.
Comment: In summary, the currently available evidence indicates that the variant is pathogenic, but additional data are needed to prove that conclusively. Therefore, this variant has been classified as Likely Pathogenic. Algorithms developed to predict the effect of sequence changes on RNA splicing suggest that this variant may disrupt the consensus splice site. ClinVar contains an entry for this variant (Variation ID: 556624). This variant has not been reported in the literature in individuals affected with USH2A-related conditions. This variant is not present in population databases (gnomAD no frequency). This sequence change affects an acceptor splice site in intron 23 of the USH2A gene. It is expected to disrupt RNA splicing. Variants that disrupt the donor or acceptor splice site typically lead to a loss of protein function (PMID: 16199547), and loss-of-function variants in USH2A are known to be pathogenic (PMID: 10729113, 10909849, 20507924, 25649381).

Counsyl
Classification: Likely pathogenic for Usher syndrome type 2A; Retinitis pigmentosa 39. Last evaluated: 2018-02-16. Review status: no assertion criteria provided. Collection method: clinical testing. Allele origin: unknown. Not counted in ClinVar's aggregate classification.

Literature cited by the submitters: PubMed 16199547 (cited by Labcorp Genetics (formerly Invitae), Labcorp); PubMed 10729113 (cited by Labcorp Genetics (formerly Invitae), Labcorp); PubMed 10909849 (cited by Labcorp Genetics (formerly Invitae), Labcorp); PubMed 20507924 (cited by Labcorp Genetics (formerly Invitae), Labcorp); PubMed 25649381 (cited by Labcorp Genetics (formerly Invitae), Labcorp).

NM_206933.4(USH2A):c.4886-1G>A

Genes: USH2A (usherin; minus strand), USH2A-AS2 (USH2A antisense RNA 2; plus strand). Cytogenetic location: 1q41.
Variant type: single nucleotide variant.
Coding change: c.4886-1G>A on transcript NM_206933.4 (MANE Select); the canonical splice acceptor site of the intron before coding-DNA position 4886, G replaced by A.
Molecular consequence: splice acceptor variant. On other transcripts: non-coding transcript variant (2).
Genome position (GRCh38, 1-based): chr1:216,086,821, C>T on the plus strand (G>A on the coding strand, the complement: USH2A is on the minus strand). VCF-style: chr1-216086821-C-T. GRCh37 (hg19) VCF-style: chr1-216260163-C-T.
Identifiers: ClinVar variation 556624 (VCV000556624.13), dbSNP rs1553300340, ClinGen allele CA344860054.
Genomic context (GRCh38, chr1:216,086,821, plus strand): 5'-CCAGAAAGACTCCTGTGTTATCTCCAATAACAGTACTACCATTCAGGATGGCAGAGGAAC[C>T]TAGAGAAGAGGAGATGAGAAATACACCTTCACCAGGATACTCTAGTTTTACTAGCTCAGC-3'